The following is an entry in ClinVar:

ClinVar aggregate classification (germline): Uncertain significance (1 of 4 stars; one submission).

Conditions:
Cardiovascular phenotype. Identifiers: MedGen CN230736.

Submission:

Ambry Genetics
Classification: Uncertain significance for Cardiovascular phenotype. Last evaluated: 2025-06-28. Review status: criteria provided, single submitter. Criteria: Ambry Variant Classification Scheme 2023. Collection method: clinical testing. Allele origin: germline.
Comment: The p.P1873S variant (also known as c.5617C>T), located in coding exon 2 of the ZNF469 gene, results from a C to T substitution at nucleotide position 5617. The proline at codon 1873 is replaced by serine, an amino acid with similar properties. This amino acid position is conserved. In addition, this alteration is predicted to be tolerated by in silico analysis. Based on the available evidence, the clinical significance of this variant remains unclear.

NM_001127464.1:c.5617C>T

Gene: ZNF469 (zinc finger protein 469; plus strand).
Variant type: single nucleotide variant.
Identifiers: ClinVar variation 4209149 (VCV004209149.1).